The following is an entry in ClinVar:

NM_030667.3(PTPRO):c.2748-10T>C

Gene: PTPRO (protein tyrosine phosphatase receptor type O; plus strand). Cytogenetic location: 12p12.3.
Variant type: single nucleotide variant.
Coding change: c.2748-10T>C on transcript NM_030667.3 (MANE Select); 10 bases into the intron before coding-DNA position 2748, T replaced by C.
Molecular consequence: intron variant.
Genome position (GRCh38, 1-based): chr12:15,569,407, T>C. VCF-style: chr12-15569407-T-C. GRCh37 (hg19) VCF-style: chr12-15722341-T-C.
Other names: c.2664-10T>C (NM_002848.4); c.315-10T>C (NM_030671.3, NM_030669.3); c.231-10T>C (NM_030670.3, NM_030668.3).
Identifiers: ClinVar variation 3030292 (VCV003030292.2), dbSNP rs375969281, ClinGen allele CA6466982.

ClinVar aggregate classification (germline): Likely benign (0 of 4 stars; one submission).

Conditions:
PTPRO-related disorder. Also called: PTPRO-related condition.

Allele frequency attached by ClinVar (database versions not stated): gnomAD exomes 0.00001; ExAC 0.00002; ESP Exome Variant Server 0.00008; gnomAD 0.00011; TOPMed 0.00014.
gnomAD v4.1: 25 of 1,606,866 alleles (0.0016%); highest among the groups gnomAD compares: African/African-American, 0.031%; no homozygotes.

Submission:

PreventionGenetics, part of Exact Sciences
Classification: Likely benign for PTPRO-related condition. Last evaluated: 2021-04-21. Review status: no assertion criteria provided. Collection method: clinical testing. Allele origin: germline.
Comment: This variant is classified as likely benign based on ACMG/AMP sequence variant interpretation guidelines (Richards et al. 2015 PMID: 25741868, with internal and published modifications).